The following is an entry in ClinVar:

NM_001853.4(COL9A3):c.469G>T (p.Gly157Ter)

Gene: COL9A3 (collagen type IX alpha 3 chain; plus strand). Cytogenetic location: 20q13.33.
Variant type: single nucleotide variant.
Coding change: c.469G>T on transcript NM_001853.4 (MANE Select); coding-DNA position 469, G replaced by T.
Protein change: p.Gly157Ter; replaces glycine 157 with a stop codon.
Molecular consequence: nonsense.
Genome position (GRCh38, 1-based): chr20:62,822,156, G>T. VCF-style: chr20-62822156-G-T. GRCh37 (hg19) VCF-style: chr20-61453508-G-T.
Other names: short protein forms G157*.
Identifiers: ClinVar variation 1525361 (VCV001525361.6), dbSNP rs754585468, ClinGen allele CA409589413.

ClinVar aggregate classification (germline): Pathogenic (1 of 4 stars; one submission).

Submission:

Labcorp Genetics (formerly Invitae), Labcorp
Classification: Pathogenic. Last evaluated: 2025-11-03. Review status: criteria provided, single submitter. Criteria: Invitae Variant Classification Sherloc (09022015). Collection method: clinical testing. Allele origin: germline.
Comment: This sequence change creates a premature translational stop signal (p.Gly157*) in the COL9A3 gene. It is expected to result in an absent or disrupted protein product. Loss-of-function variants in COL9A3 are known to be pathogenic (PMID: 24273071, 31090205). This variant is not present in population databases (gnomAD no frequency). This variant has not been reported in the literature in individuals affected with COL9A3-related conditions. ClinVar contains an entry for this variant (Variation ID: 1525361). For these reasons, this variant has been classified as Pathogenic.

Literature cited by the submitters: PubMed 24273071; PubMed 31090205.